The following is an entry in ClinVar:

ClinVar aggregate classification (germline): Pathogenic. Review status: criteria provided, multiple submitters, no conflicts (2 of 4 stars). 8 submissions from 8 submitters: Pathogenic (8). Last evaluated 2026-01-18.

Conditions:
COL2A1-related disorder. Also called: COL2A1-related condition; COL2A1-related disorders.
Spondyloepiphyseal dysplasia congenita (SEDC). Also called: SED CONGENITA; SPONDYLOEPIPHYSEAL DYSPLASIA, CONGENITAL TYPE. Identifiers: Orphanet 94068, MedGen C2745959, MONDO:0008471, OMIM 183900.
Stickler syndrome type 1 (STL1). Also called: ARTHROOPHTHALMOPATHY, HEREDITARY PROGRESSIVE; STICKLER SYNDROME, MEMBRANOUS VITREOUS TYPE; STICKLER SYNDROME, VITREOUS TYPE 1; COL2A1-Related Stickler Syndrome. Identifiers: Orphanet 828, Orphanet 90653, MedGen C2020284, MONDO:0007160, OMIM 108300.

Allele frequency attached by ClinVar (database versions not stated): gnomAD 0.00001; 1000 Genomes Project 30x 0.00016.
gnomAD v4.1: 1 of 1,613,784 alleles (0.000062%); highest among the groups gnomAD compares: South Asian, 0.0011%; no homozygotes.

Submissions (8):

Labcorp Genetics (formerly Invitae), Labcorp
Classification: Pathogenic. Last evaluated: 2026-01-18. Review status: criteria provided, single submitter. Criteria: Invitae Variant Classification Sherloc (09022015). Collection method: clinical testing. Allele origin: germline.
Comment: This sequence change creates a premature translational stop signal (p.Arg1192*) in the COL2A1 gene. It is expected to result in an absent or disrupted protein product. Loss-of-function variants in COL2A1 are known to be pathogenic (PMID: 20179744). This variant is not present in population databases (gnomAD no frequency). This premature translational stop signal has been observed in individuals with Stickler syndrome (PMID: 18276201, 20179744, 26626311). ClinVar contains an entry for this variant (Variation ID: 283534). For these reasons, this variant has been classified as Pathogenic.

Variantyx, Inc.
Classification: Pathogenic for Stickler syndrome type 1. Last evaluated: 2025-10-15. Review status: criteria provided, single submitter. Criteria: Variantyx Assertion Criteria 2022. Collection method: clinical testing. Allele origin: germline. Inheritance: Autosomal dominant inheritance. Affected: yes.
Comment: This is a nonsense variant in the COL2A1 gene (OMIM: 120140). Pathogenic variants in this gene have been associated with autosomal dominant Stickler syndrome type I. This variant introduces It has been reported in many unrelated affected individuals (PMID: 18276201, 28832562, 20179744, 29453417) (PS4_Very_Strong) and it has been observed to segregate with disease in at least 4 individuals from one family (PMID: 18276201) (PP1). This variant has a 0.0207% maximum allele frequency in non-founder control populations (PM2). Based on the current evidence, this variant is classified as pathogenic for autosomal dominant Stickler syndrome type I.

PreventionGenetics, part of Exact Sciences
Classification: Pathogenic for COL2A1-related condition. Last evaluated: 2025-08-15. Review status: criteria provided, single submitter. Criteria: ACMG Guidelines, 2015. Collection method: clinical testing. Allele origin: germline.
Comment: The COL2A1 c.3574C>T variant is predicted to result in premature protein termination (p.Arg1192*). This variant has been reported as causative for Stickler syndrome (see for examples: Zechi-Ceide et al. 2008. PubMed ID:18276201; Barat-Houari et al. 2015. PubMed ID: 26626311; Hoornaert et al. 2010. PubMed ID: 20179744). This variant has not been reported in a large population database, indicating this variant is rare. Nonsense variants in COL2A1 are an established mechanism of disease. This variant is interpreted as pathogenic.

3billion
Classification: Pathogenic for Stickler syndrome type 1. Last evaluated: 2024-10-28. Review status: criteria provided, single submitter. Criteria: ACMG Guidelines, 2015. Collection method: clinical testing. Allele origin: germline. Affected: yes.
Comment: The variant is observed at an extremely low frequency in the gnomAD v4.1.0 dataset (total allele frequency: <0.001%). Predicted Consequence/Location: Stop-gained (nonsense): predicted to result in a loss or disruption of normal protein function through nonsense-mediated decay (NMD) or protein truncation. Multiple pathogenic variants are reported downstream of the variant. The variant has been reported at least twice as pathogenic with clinical assertions and evidence for the classification (ClinVar ID: VCV000283534 /PMID: 18276201). Therefore, this variant is classified as Pathogenic according to the recommendation of ACMG/AMP guideline.

Blueprint Genetics
Classification: Pathogenic for COL2A1-related disorders. Last evaluated: 2022-11-24. Review status: criteria provided, single submitter. Criteria: ACMG Guidelines, 2015. Collection method: clinical testing. Allele origin: germline. Affected: yes. Observed: 5 variant alleles.

GeneDx
Classification: Pathogenic. Last evaluated: 2022-04-26. Review status: criteria provided, single submitter. Criteria: GeneDx Variant Classification Process June 2021. Collection method: clinical testing. Allele origin: germline. Affected: yes.
Comment: Nonsense variant predicted to result in protein truncation or nonsense mediated decay in a gene for which loss-of-function is a known mechanism of disease; Not observed at significant frequency in large population cohorts (gnomAD); This variant is associated with the following publications: (PMID: 18276201, 25525159, 20179744, 29453417, 26626311, 34313156, 28832562, 32756486)

Dasa
Classification: Pathogenic for Spondyloepiphyseal dysplasia congenita. Last evaluated: 2022-03-05. Review status: criteria provided, single submitter. Criteria: ACMG Guidelines, 2015. Collection method: clinical testing. Allele origin: germline. Affected: yes. Observed: 1 variant allele.
Comment: The c.3574C>T;p.(Arg1192*) variant creates a premature translational stop signal in the COL2A1 gene. It is expected to result in an absent or disrupted protein product - PVS1. This sequence change has been observed in affected individual(s) and ClinVar contains an entry for this variant (ClinVar ID: 283534; PMID: 18276201; PMID: 26626311; PMID: 20179744) - PS4. This variant is not present in population databases (rs886042651- gnomAD; ABraOM no frequency) - PM2. In summary, the currently available evidence indicates that the variant is pathogenic.

Eurofins Ntd Llc (ga)
Classification: Pathogenic. Last evaluated: 2015-09-29. Review status: criteria provided, single submitter. Criteria: EGL Classification Definitions 2015. Collection method: clinical testing. Allele origin: germline. Observed: 1 variant allele, 1 heterozygote.

Literature cited by the submitters: PubMed 20179744 (cited by 4 submitters); PubMed 18276201 (cited by 5 submitters); PubMed 26626311 (cited by Labcorp Genetics (formerly Invitae), Labcorp and Dasa); PubMed 28832562 (cited by Variantyx, Inc.); PubMed 29453417 (cited by Variantyx, Inc.).

NM_001844.5(COL2A1):c.3574C>T (p.Arg1192Ter)

Gene: COL2A1 (collagen type II alpha 1 chain; minus strand). Cytogenetic location: 12q13.11.
Variant type: single nucleotide variant.
Coding change: c.3574C>T on transcript NM_001844.5 (MANE Select); coding-DNA position 3574, C replaced by T.
Protein change: p.Arg1192Ter; replaces arginine 1192 with a stop codon.
Molecular consequence: nonsense.
Genome position (GRCh38, 1-based): chr12:47,975,986, G>A on the plus strand (C>T on the coding strand, the complement: COL2A1 is on the minus strand). VCF-style: chr12-47975986-G-A. GRCh37 (hg19) VCF-style: chr12-48369769-G-A.
Other names: c.3367C>T, p.Arg1123Ter (NM_033150.3); short protein forms R1192*, R1123*.
Identifiers: ClinVar variation 283534 (VCV000283534.24), dbSNP rs886042651, ClinGen allele CA10604522.